The following is an entry in ClinVar:

ClinVar aggregate classification (germline): Likely pathogenic. Review status: criteria provided, multiple submitters, no conflicts (2 of 4 stars). 2 submissions from 2 submitters: Likely pathogenic (2). Last evaluated 2023-09-08.

Conditions:
Developmental and epileptic encephalopathy, 42 (DEE42A). Also called: DEVELOPMENTAL AND EPILEPTIC ENCEPHALOPATHY 42A; EPILEPTIC ENCEPHALOPATHY, EARLY INFANTILE, 42A; Epileptic encephalopathy, early infantile, 42. Identifiers: MedGen C4310716, MONDO:0014917, OMIM 617106.
Episodic ataxia type 2 (EA2). Also called: ATAXIA, EPISODIC, WITH NYSTAGMUS; ATAXIA, FAMILIAL PAROXYSMAL; CEREBELLAR ATAXIA, PAROXYSMAL, ACETAZOLAMIDE-RESPONSIVE; CEREBELLOPATHY, HEREDITARY PAROXYSMAL; EPISODIC ATAXIA, NYSTAGMUS-ASSOCIATED; ACETAZOLAMIDE-RESPONSIVE HEREDITARY PAROXYSMAL CEREBELLAR ATAXIA. Identifiers: Orphanet 97, MedGen C1720416, MONDO:0007163, OMIM 108500.
CACNA1A-related disorder. Also called: CACNA1A-related condition.

Submissions (2):

Labcorp Genetics (formerly Invitae), Labcorp
Classification: Likely pathogenic for Developmental and epileptic encephalopathy, 42; Episodic ataxia type 2. Last evaluated: 2023-09-08. Review status: criteria provided, single submitter. Criteria: Invitae Variant Classification Sherloc (09022015). Collection method: clinical testing. Allele origin: germline.
Comment: In summary, the currently available evidence indicates that the variant is pathogenic, but additional data are needed to prove that conclusively. Therefore, this variant has been classified as Likely Pathogenic. This variant has not been reported in the literature in individuals affected with CACNA1A-related conditions. This variant is not present in population databases (gnomAD no frequency). This sequence change affects an acceptor splice site in intron 36 of the CACNA1A gene. It is expected to disrupt RNA splicing. Variants that disrupt the donor or acceptor splice site typically lead to a loss of protein function (PMID: 16199547), and loss-of-function variants in CACNA1A are known to be pathogenic (PMID: 10371528, 19486177, 25735478, 27250579).

Blueprint Genetics
Classification: Likely pathogenic for CACNA1A-related disorders. Last evaluated: 2019-12-03. Review status: criteria provided, single submitter. Criteria: ACMG Guidelines, 2015. Collection method: clinical testing. Allele origin: germline. Affected: yes. Observed: 2 variant alleles.

Literature cited by the submitters: PubMed 16199547 (cited by Labcorp Genetics (formerly Invitae), Labcorp); PubMed 10371528 (cited by Labcorp Genetics (formerly Invitae), Labcorp); PubMed 19486177 (cited by Labcorp Genetics (formerly Invitae), Labcorp); PubMed 25735478 (cited by Labcorp Genetics (formerly Invitae), Labcorp); PubMed 27250579 (cited by Labcorp Genetics (formerly Invitae), Labcorp).

NM_001127221.2(CACNA1A):c.5532-2A>G

Gene: CACNA1A (calcium voltage-gated channel subunit alpha1 A; minus strand). Cytogenetic location: 19p13.13.
Variant type: single nucleotide variant.
Coding change: c.5532-2A>G on transcript NM_001127221.2 (MANE Plus Clinical); the canonical splice acceptor site of the intron before coding-DNA position 5532, A replaced by G.
Molecular consequence: splice acceptor variant. On other transcripts: intron variant (4).
Genome position (GRCh38, 1-based): chr19:13,228,797, T>C on the plus strand (A>G on the coding strand, the complement: CACNA1A is on the minus strand). VCF-style: chr19-13228797-T-C. GRCh37 (hg19) VCF-style: chr19-13339611-T-C.
Other names: c.5529-1270A>G (NM_001127222.2); c.5538-1270A>G (NM_001174080.2); c.5547-1270A>G (NM_000068.4, NM_023035.3).
Identifiers: ClinVar variation 2930056 (VCV002930056.4), dbSNP rs2512610959, ClinGen allele CA404331981.